The following is an entry in ClinVar:

ClinVar aggregate classification (germline): Uncertain significance. Review status: criteria provided, multiple submitters, no conflicts (2 of 4 stars). 2 submissions from 2 submitters: Uncertain significance (2). Last evaluated 2024-09-08.

Conditions:
Inborn genetic diseases. Identifiers: MedGen C0950123, MeSH D030342.

Allele frequency attached by ClinVar (database versions not stated): ExAC 0.00001; gnomAD 0.00002.
gnomAD v4.1: 15 of 1,608,790 alleles (0.00093%); highest among the groups gnomAD compares: Non-Finnish European, 0.00068%; no homozygotes.

Submissions (2):

Ambry Genetics
Classification: Uncertain significance for Inborn genetic diseases. Last evaluated: 2024-09-08. Review status: criteria provided, single submitter. Criteria: Ambry Variant Classification Scheme 2023. Collection method: clinical testing. Allele origin: germline.

Labcorp Genetics (formerly Invitae), Labcorp
Classification: Uncertain significance. Last evaluated: 2022-05-13. Review status: criteria provided, single submitter. Criteria: Invitae Variant Classification Sherloc (09022015). Collection method: clinical testing. Allele origin: germline.
Comment: In summary, the available evidence is currently insufficient to determine the role of this variant in disease. Therefore, it has been classified as a Variant of Uncertain Significance. Algorithms developed to predict the effect of missense changes on protein structure and function output the following: SIFT: "Deleterious"; PolyPhen-2: "Benign"; Align-GVGD: "Class C25". The cysteine amino acid residue is found in multiple mammalian species, which suggests that this missense change does not adversely affect protein function. This variant has not been reported in the literature in individuals affected with SZT2-related conditions. This variant is present in population databases (rs755949728, gnomAD 0.002%). This sequence change replaces arginine, which is basic and polar, with cysteine, which is neutral and slightly polar, at codon 1091 of the SZT2 protein (p.Arg1091Cys).

NM_001365999.1(SZT2):c.3442C>T (p.Arg1148Cys)

Gene: SZT2 (SZT2 subunit of KICSTOR complex; plus strand). Cytogenetic location: 1p34.2.
Variant type: single nucleotide variant.
Coding change: c.3442C>T on transcript NM_001365999.1 (MANE Select); coding-DNA position 3442, C replaced by T.
Protein change: p.Arg1148Cys; replaces arginine 1148 with cysteine.
Molecular consequence: missense variant.
Genome position (GRCh38, 1-based): chr1:43,427,289, C>T. VCF-style: chr1-43427289-C-T. GRCh37 (hg19) VCF-style: chr1-43892960-C-T.
Other names: c.3271C>T (NM_015284.3); c.3271C>T, p.Arg1091Cys (NM_015284.4); short protein forms R1091C, R1148C.
Identifiers: ClinVar variation 1911984 (VCV001911984.6), dbSNP rs755949728, ClinGen allele CA808995.
Genomic context (GRCh38, chr1:43,427,289, plus strand): 5'-GCTCCCTCACTGGCCCACCAGGCAGCTCTGATTTATGTCTGATCCTCTTCAGATGTCCAG[C>T]GTCTGGCTGCCTGTGGCCTGGAGGGACCCCCTCAAGAGGAGACAAAGCCTAAGTTTGGGG-3'
Protein context (NP_001352928.1, residues 1138-1158): FLPATFSDVQ[Arg1148Cys]LAACGLEGPP